The following is an entry in ClinVar:

NM_001195263.2(PDZD7):c.536C>T (p.Thr179Ile)

Gene: PDZD7 (PDZ domain containing 7; minus strand). Cytogenetic location: 10q24.31.
Variant type: single nucleotide variant.
Coding change: c.536C>T on transcript NM_001195263.2 (MANE Select); coding-DNA position 536, C replaced by T.
Protein change: p.Thr179Ile; replaces threonine 179 with isoleucine.
Molecular consequence: missense variant.
Genome position (GRCh38, 1-based): chr10:101,023,442, G>A on the plus strand (C>T on the coding strand, the complement: PDZD7 is on the minus strand). VCF-style: chr10-101023442-G-A. GRCh37 (hg19) VCF-style: chr10-102783199-G-A.
Other names: c.536C>T, p.Thr179Ile (NM_001351044.2, NM_024895.5); short protein forms T179I.
Identifiers: ClinVar variation 2114604 (VCV002114604.4), dbSNP rs773601687, ClinGen allele CA5654359.

ClinVar aggregate classification (germline): Uncertain significance (1 of 4 stars; one submission).

Allele frequency attached by ClinVar (database versions not stated): gnomAD exomes below 0.00001; ExAC 0.00001.
gnomAD v4.1: 1 of 1,614,092 alleles (0.000062%); highest among the groups gnomAD compares: Admixed American, 0.0017%; no homozygotes.

Submission:

Labcorp Genetics (formerly Invitae), Labcorp
Classification: Uncertain significance. Last evaluated: 2022-11-03. Review status: criteria provided, single submitter. Criteria: Invitae Variant Classification Sherloc (09022015). Collection method: clinical testing. Allele origin: germline.
Comment: In summary, the available evidence is currently insufficient to determine the role of this variant in disease. Therefore, it has been classified as a Variant of Uncertain Significance. Advanced modeling of protein sequence and biophysical properties (such as structural, functional, and spatial information, amino acid conservation, physicochemical variation, residue mobility, and thermodynamic stability) performed at Invitae indicates that this missense variant is not expected to disrupt PDZD7 protein function. This variant has not been reported in the literature in individuals affected with PDZD7-related conditions. This variant is not present in population databases (gnomAD no frequency). This sequence change replaces threonine, which is neutral and polar, with isoleucine, which is neutral and non-polar, at codon 179 of the PDZD7 protein (p.Thr179Ile).